The following is an entry in ClinVar:

NM_003742.4(ABCB11):c.989G>A (p.Trp330Ter)

Gene: ABCB11 (ATP binding cassette subfamily B member 11; minus strand). Cytogenetic location: 2q31.1.
Variant type: single nucleotide variant.
Coding change: c.989G>A on transcript NM_003742.4 (MANE Select); coding-DNA position 989, G replaced by A.
Protein change: p.Trp330Ter; replaces tryptophan 330 with a stop codon.
Molecular consequence: nonsense.
Genome position (GRCh38, 1-based): chr2:168,986,204, C>T on the plus strand (G>A on the coding strand, the complement: ABCB11 is on the minus strand). VCF-style: chr2-168986204-C-T. GRCh37 (hg19) VCF-style: chr2-169842714-C-T.
Other names: short protein forms W330*.
Identifiers: ClinVar variation 2687806 (VCV002687806.3), dbSNP rs747888517, ClinGen allele CA1951737.
Genomic context (GRCh38, chr2:168,986,204, plus strand): 5'-TCCAGGACAAGTGTGGAGCCGTACCAGAAGGCCAGTGCATAACACAAAAAGATGAGACAC[C>T]ACACGAATCCAGTAAAGAATCCCATCACTATTCCTTTTCTAATTCCCCAACGCTGGGCGA-3'

ClinVar aggregate classification (germline): Pathogenic/Likely pathogenic. Review status: criteria provided, multiple submitters, no conflicts (2 of 4 stars). 3 submissions from 3 submitters: Pathogenic (1); Likely pathogenic (1). 1 of the submissions does not count toward it. Last evaluated 2026-04-14.

Conditions:
ABCB11-related disorder. Also called: ABCB11-related condition.
Familial intrahepatic cholestasis. Identifiers: Orphanet 284385, MedGen CN296401, MONDO:0017290.
Progressive familial intrahepatic cholestasis type 2. Identifiers: Orphanet 79304, MedGen C3489789, MONDO:0011156, OMIM 601847.

Allele frequency attached by ClinVar (database versions not stated): ExAC 0.00001; gnomAD exomes 0.00001.

Submissions (3):

Genomenon, Inc
Classification: Pathogenic for Familial intrahepatic cholestasis. Last evaluated: 2026-04-14. Review status: criteria provided, single submitter. Criteria: Genomenon Sequence Variant Interpretation Standards - Updated. Collection method: curation. Allele origin: germline. Affected: yes.
Comment: ABCB11 p.Trp330Ter (c.989G>A) is a nonsense variant that introduces a premature stop codon at amino acid position 330, creating a truncated protein that is predicted to undergo nonsense-mediated mRNA decay. This variant has been observed in at least one proband with an ABCB11-related disorder (PMID:39143102;38341604;12717091). It is absent or not present at a significant frequency in gnomAD. In conclusion, we classify ABCB11 p.Trp330Ter (c.989G>A) as a pathogenic variant.

Rolfs Rare Disease Consulting, Rolfs Consulting Und Verwaltungs GmbH
Classification: Likely pathogenic for Progressive familial intrahepatic cholestasis type 2. Last evaluated: 2022-01-01. Review status: criteria provided, single submitter. Criteria: ACMG Guidelines, 2015. Collection method: clinical testing. Allele origin: germline. Affected: yes.

PreventionGenetics, part of Exact Sciences
Classification: Likely pathogenic for ABCB11-related condition. Last evaluated: 2024-07-03. Review status: no assertion criteria provided. Collection method: clinical testing. Allele origin: germline. Not counted in ClinVar's aggregate classification.
Comment: The ABCB11 c.989G>A variant is predicted to result in premature protein termination (p.Trp330*). This variant has been reported in the heterozygous state in a patient with progressive familial intrahepatic cholestasis type 2 (PFIC2; Kondou et al. 2024. PubMed ID: 38341604). A second variant in ABCB11 was not identified in this study. This variant is reported in 0.0033% of alleles in individuals of South Asian descent in gnomAD. Nonsense variants in ABCB11 are expected to be pathogenic. This variant is interpreted as likely pathogenic.

Literature cited by the submitters: PubMed 39143102 (cited by Genomenon, Inc); PubMed 38341604 (cited by Genomenon, Inc); PubMed 12717091 (cited by Genomenon, Inc).